The following is an entry in ClinVar:

ClinVar aggregate classification (germline): Uncertain significance (1 of 4 stars; one submission).

gnomAD v4.1: 1 of 1,613,454 alleles (0.000062%); highest among the groups gnomAD compares: Non-Finnish European, 0.000085%; no homozygotes.

Submission:

Ambry Genetics
Classification: Uncertain significance. Last evaluated: 2024-07-27. Review status: criteria provided, single submitter. Criteria: Ambry Variant Classification Scheme 2023. Collection method: clinical testing. Allele origin: germline.
Comment: The p.F107S variant (also known as c.320T>C), located in coding exon 4 of the NQO1 gene, results from a T to C substitution at nucleotide position 320. The phenylalanine at codon 107 is replaced by serine, an amino acid with highly dissimilar properties. This amino acid position is conserved. In addition, the in silico prediction for this alteration is inconclusive. Since supporting evidence is limited at this time, the clinical significance of this alteration remains unclear.

NM_000903.3(NQO1):c.320T>C (p.Phe107Ser)

Gene: NQO1 (NAD(P)H quinone dehydrogenase 1; minus strand). Cytogenetic location: 16q22.1.
Variant type: single nucleotide variant.
Coding change: c.320T>C on transcript NM_000903.3 (MANE Select); coding-DNA position 320, T replaced by C.
Protein change: p.Phe107Ser; replaces phenylalanine 107 with serine.
Molecular consequence: missense variant. On other transcripts: intron variant (2).
Genome position (GRCh38, 1-based): chr16:69,715,061, A>G on the plus strand (T>C on the coding strand, the complement: NQO1 is on the minus strand). VCF-style: chr16-69715061-A-G. GRCh37 (hg19) VCF-style: chr16-69748964-A-G.
Other names: c.320T>C, p.Phe107Ser (NM_001025433.2); c.303+3062T>C (NM_001286137.2); c.304-1932T>C (NM_001025434.2); short protein forms F107S.
Identifiers: ClinVar variation 1728923 (VCV001728923.3), dbSNP rs760765580, ClinGen allele CA396488998.
Genomic context (GRCh38, chr16:69,715,061, plus strand): 5'-TAAGCAAACTCTCCTATGAACACTCGCTCAAACCAGCCTTTCAGAATGGCAGGGACTCCA[A>G]ACCACTGCAGGGGGAACTGTGGGACAGAAGACATCATTGAGGTAAGACCAGGGGCTCCCC-3'
Protein context (NP_000894.1, residues 97-117): LVIFQFPLQW[Phe107Ser]GVPAILKGWF